The following is an entry in ClinVar:

ClinVar aggregate classification (germline): Likely benign. Review status: criteria provided, single submitter (1 of 4 stars). 2 submissions from 2 submitters: Likely benign (1). 1 of the submissions does not count toward it. Last evaluated 2023-10-30.

Conditions:
DIS3L2-related disorder. Also called: DIS3L2-related condition.
Perlman syndrome (PRLMNS). Identifiers: Orphanet 2849, MedGen C0796113, MONDO:0009965, OMIM 267000.

Allele frequency attached by ClinVar (database versions not stated): ExAC 0.00001; gnomAD exomes 0.00002; TOPMed 0.00002; gnomAD 0.00003.
gnomAD v4.1: 36 of 1,610,452 alleles (0.0022%); highest among the groups gnomAD compares: South Asian, 0.0055%; no homozygotes.

Submissions (2):

Labcorp Genetics (formerly Invitae), Labcorp
Classification: Likely benign for Perlman syndrome. Last evaluated: 2023-10-30. Review status: criteria provided, single submitter. Criteria: Invitae Variant Classification Sherloc (09022015). Collection method: clinical testing. Allele origin: germline.

PreventionGenetics, part of Exact Sciences
Classification: Likely benign for DIS3L2-related condition. Last evaluated: 2022-10-24. Review status: no assertion criteria provided. Collection method: clinical testing. Allele origin: germline. Not counted in ClinVar's aggregate classification.
Comment: This variant is classified as likely benign based on ACMG/AMP sequence variant interpretation guidelines (Richards et al. 2015 PMID: 25741868, with internal and published modifications).

NM_152383.5(DIS3L2):c.1797C>T (p.Arg599=)

Gene: DIS3L2 (DIS3 like 3'-5' exoribonuclease 2; plus strand). Cytogenetic location: 2q37.1.
Variant type: single nucleotide variant.
Coding change: c.1797C>T on transcript NM_152383.5 (MANE Select); coding-DNA position 1797, C replaced by T.
Protein change: p.Arg599=; no amino-acid change (arginine 599 retained).
Molecular consequence: synonymous variant. On other transcripts: intron variant (1).
Genome position (GRCh38, 1-based): chr2:232,329,870, C>T. VCF-style: chr2-232329870-C-T. GRCh37 (hg19) VCF-style: chr2-233194580-C-T.
Other names: c.1582-13475C>T (NM_001257281.2).
Identifiers: ClinVar variation 416356 (VCV000416356.13), dbSNP rs757523875, ClinGen allele CA2164273.